The following is an entry in ClinVar:

ClinVar aggregate classification (germline): Pathogenic. Review status: reviewed by expert panel (3 of 4 stars). 29 submissions from 27 submitters: Pathogenic (1). 28 of the submissions do not count toward it. Last evaluated 2013-09-05.

Conditions:
Inherited MMR deficiency (Lynch syndrome).
Hereditary nonpolyposis colon cancer (HNPCC). Also called: Hereditary Nonpolyposis Colorectal Cancer Syndrome; Hereditary nonpolyposis colorectal cancer; Familial nonpolyposis colon cancer. Identifiers: Orphanet 443909, MedGen C1333990, MONDO:0018630. Disease mechanism: loss of function.
Hereditary nonpolyposis colorectal neoplasms. Identifiers: MedGen C0009405, MeSH D003123.
PMS2-related disorder. Also called: PMS2-related condition.
Mismatch repair cancer syndrome 4. Identifiers: MedGen C5436817, MONDO:0030843, OMIM 619101.
Lymphoma. Identifiers: Orphanet 223735, MedGen C0024299, MeSH D008223, MONDO:0005062, HP:0002665.
Burkitt lymphoma (BL). Identifiers: Orphanet 543, MedGen C0006413, MONDO:0007243, OMIM 113970, HP:0030080.
Breast and/or ovarian cancer. Identifiers: MedGen CN221562.
Hereditary cancer-predisposing syndrome. Also called: Hereditary Cancer Syndrome; Tumor predisposition; Neoplastic Syndromes, Hereditary; Hereditary neoplastic syndrome. Identifiers: Orphanet 140162, MedGen C0027672, MeSH D009386, MONDO:0015356.
Mismatch repair cancer syndrome 1 (MMRCS1). Also called: BRAIN TUMOR-POLYPOSIS SYNDROME 1; BTP1 SYNDROME; CHILDHOOD CANCER SYNDROME; MISMATCH REPAIR DEFICIENCY; MMR DEFICIENCY. Identifiers: Orphanet 252202, MedGen C5399763, MONDO:0010159, OMIM 276300. Disease mechanism: loss of function.
Lynch syndrome 4 (LYNCH4). Also called: Colorectal cancer, hereditary nonpolyposis, type 4; Hereditary non-polyposis colorectal cancer, type 4. Identifiers: Orphanet 144, MedGen C1838333, MONDO:0013699, OMIM 614337. Disease mechanism: loss of function.
Lynch syndrome. Identifiers: Orphanet 144, MedGen C4552100, MONDO:0005835. Disease mechanism: loss of function.
Carcinoma of colon (CRC). Also called: Colonic carcinoma; Colon carcinoma. Identifiers: MedGen C0699790, MONDO:0002032.

Submissions 1 to 8 of 29:

International Society for Gastrointestinal Hereditary Tumours (InSiGHT)
Classification: Pathogenic for Lynch Syndrome. Last evaluated: 2013-09-05. Review status: reviewed by expert panel. Criteria: Guidelines v1.9. Collection method: research. Allele origin: germline.
Comment: Coding sequence variation resulting in a stop codon

Classified with v1.9 guidelines

Ambry Genetics
Classification: Pathogenic for Hereditary cancer-predisposing syndrome. Last evaluated: 2026-07-20. Review status: criteria provided, single submitter. Criteria: Ambry Variant Classification Scheme 2023. Collection method: clinical testing. Allele origin: germline. Not counted in ClinVar's aggregate classification.
Comment: The c.736_741delCCCCCTinsTGTGTGTGAAG (p.P246Cfs*3) alteration, located in exon 7 (coding exon 7) of the PMS2 gene, consists of a deletion of 6 and insertion of 11 nucleotides causing a translational frameshift at position 736 with a predicted alternate stop codon after 3 amino acids. Of note, this alteration is also known as c.736_741del6ins11 in published literature. This alteration is expected to result in loss of function by premature protein truncation or nonsense-mediated mRNA decay. Based on data from gnomAD, this allele has an overall frequency of 0.002% (5/280588) total alleles studied. The highest observed frequency was 0.004% (5/128304) of European (non-Finnish) alleles. Multiple studies have identified this variant in association with clinical findings consistent with a diagnosis of Lynch syndrome (Clendenning, 2006; Clendenning, 2008; Talseth-Palmer, 2010; Herkert, 2011; Buchanan, 2014). Subsequent studies have supported this alteration as a founder mutation that arose approximately 1625 years ago, is enriched in individuals with British and Swedish ancestry, and may be associated with reduced penetrance (Clendenning, 2008). A more recent study also found this to be a founder mutation in the Icelandic population (Haraldsdottir, 2017). Based on the available evidence, this alteration is classified as pathogenic.

Genetics Laboratory, Great Ormond Street Hospital NHS Foundation Trust, North Thames Genomic Laboratory Hub
Classification: Pathogenic for Inherited MMR deficiency (Lynch syndrome). Last evaluated: 2026-07-01. Review status: criteria provided, single submitter. Criteria: CanVIG MMR Gene Specific V1.7. Collection method: clinical testing. Allele origin: germline. Affected: yes. Not counted in ClinVar's aggregate classification.
Comment: PM2_supporting, PVS1_very-strong, PP4_strong

Cambridge Genomics Laboratory, East Genomic Laboratory Hub, NHS Genomic Medicine Service
Classification: Pathogenic for Lynch syndrome 4. Last evaluated: 2026-04-20. Review status: criteria provided, single submitter. Criteria: ACGS Best Practice Guidelines for Variant Classification in Rare Disease 2020. Collection method: clinical testing. Allele origin: germline. Affected: yes. Not counted in ClinVar's aggregate classification.
Comment: PVS1_Very_strong,PM5_Supporting,PP4_Strong

PreventionGenetics, part of Exact Sciences
Classification: Pathogenic for PMS2-related condition. Last evaluated: 2026-03-20. Review status: criteria provided, single submitter. Criteria: ACMG Guidelines, 2015. Collection method: clinical testing. Allele origin: germline. Not counted in ClinVar's aggregate classification.
Comment: The PMS2 c.736_741delinsTGTGTGTGAAG variant is predicted to result in a frameshift and premature protein termination (p.Pro246Cysfs*3). This variant, also known as c.736_741del6ins11, has been reported in individuals with Lynch syndrome (Clendenning et al. 2006, PubMed ID: 16619239; Clendenning et al. 2008. PubMed ID: 18178629; Salvador et al. 2019. PubMed ID: 30702970; van der Klift et al. 2016. PubMed ID: 27435373), an individual with endometrial cancer (Buchanan et al. 2014, PubMed ID: 24323032), and in an individual with colon cancer and glioblastoma (Susswein et al. 2015. PubMed ID: 26681312). This variant has not been reported in a large population database, indicating this variant is rare. This variant has been interpreted as pathogenic in ClinVar (Variation ID: 91366). Frameshift variants in PMS2 are expected to be pathogenic. This variant is interpreted as pathogenic.

Department of Genetics, Rouen University Hospital, Normandy Center for Genomic and Personalized Medicine
Classification: Pathogenic for Mismatch repair cancer syndrome 4. Last evaluated: 2025-06-23. Review status: criteria provided, single submitter. Criteria: ACMG Guidelines, 2015. Collection method: clinical testing. Allele origin: paternal. Affected: yes. Not counted in ClinVar's aggregate classification.

ARUP Laboratories, Molecular Genetics and Genomics, ARUP Laboratories
Classification: Pathogenic. Last evaluated: 2025-04-01. Review status: criteria provided, single submitter. Criteria: ARUP Molecular Germline Variant Investigation Process 2024. Collection method: clinical testing. Allele origin: germline. Not counted in ClinVar's aggregate classification.
Comment: The PMS2 c.736_741delinsTGTGTGTGAAG; p.Pro246CysfsTer3 variant (rs267608150, ClinVar Variation ID: 91366) is reported in the literature in multiple individuals affected with Lynch syndrome or associated cancers (Buchanan 2014, Clendenning 2008) and is also reported in trans to a pathogenic PMS2 variant in an individual with constitution mismatch repair deficiency (Herkert 2011). This variant is absent from the Genome Aggregation Database (v2.1.1), indicating it is not a common polymorphism. This variant causes a frameshift by deleting 6 and inserting 11 nucleotides, so it is predicted to result in a truncated protein or mRNA subject to nonsense-mediated decay. Based on available information, this variant is considered to be pathogenic. References: Buchanan DD et al. Tumor mismatch repair immunohistochemistry and DNA MLH1 methylation testing of patients with endometrial cancer diagnosed at age younger than 60 years optimizes triage for population-level germline mismatch repair gene mutation testing. J Clin Oncol. 2014;32(2):90-100. PMID: 24323032. Clendenning M et al. A frame-shift mutation of PMS2 is a widespread cause of Lynch syndrome. J Med Genet. 2008 45(6):340-5. PMID: 18178629. Herkert JC et al. Paediatric intestinal cancer and polyposis due to bi-allelic PMS2 mutations: case series, review and follow-up guidelines. Eur J Cancer. 2011;47(7):965-982. PMID: 21376568.

Color Diagnostics, LLC DBA Color Health
Classification: Pathogenic for Hereditary cancer-predisposing syndrome. Last evaluated: 2024-12-16. Review status: criteria provided, single submitter. Criteria: ACMG Guidelines, 2015. Collection method: clinical testing. Allele origin: germline. Not counted in ClinVar's aggregate classification.
Comment: This variant causes a frameshift and creates a premature translation stop codon in exon 7 of the PMS2 gene. This variant is expected to result in an absent or non-functional protein product. This variant is also known as c.736_741del6ins11 in the literature. This variant has been reported as a founder mutation in individuals of Northern European ancestry (PMID: 18178629) and has been detected in individuals affected with Lynch syndrome-associated cancers in Europe, North American and Australia (PMID: 16619239, 18178629, 20682701, 23733757, 24323032, 26681312, 27435373, 28466842, 30702970). This variant also has been observed in individuals with compound heterozygous PMS2 mutations who are affected with constitutional mismatch repair deficiency syndrome (PMID: 21376568, 32773772). This variant has not been identified in the general population by the Genome Aggregation Database (gnomAD). Loss of PMS2 function is a known mechanism of disease. Based on the available evidence, this variant is classified as Pathogenic.

NM_000535.7(PMS2):c.736_741delinsTGTGTGTGAAG (p.Pro246_Pro247delinsCysValTer)

Gene: PMS2 (PMS1 homolog 2, mismatch repair system component; minus strand). Cytogenetic location: 7p22.1.
Variant type: Indel.
Coding change: c.736_741delinsTGTGTGTGAAG on transcript NM_000535.7 (MANE Select); coding-DNA positions 736 to 741, CCCCCT replaced by TGTGTGTGAAG.
Protein change: p.Pro246_Pro247delinsCysValTer.
Molecular consequence: nonsense. On other transcripts: 5 prime UTR variant (2), non-coding transcript variant (1).
Genome position (GRCh38, 1-based): chr7:5,997,388-5,997,393, AGGGGG replaced by CTTCACACACA on the plus strand (CCCCCT replaced by TGTGTGTGAAG on the coding strand, the reverse complement: PMS2 is on the minus strand). VCF-style: chr7-5997388-AGGGGG-CTTCACACACA. GRCh37 (hg19) VCF-style: chr7-6037019-AGGGGG-CTTCACACACA.
Other names: p.Pro246Cysfs*3; c.331_336delinsTGTGTGTGAAG, p.Pro111_Pro112delinsCysValTer (NM_001322003.2, NM_001322004.2, NM_001322005.2 and 2 more transcripts); c.736_741delinsTGTGTGTGAAG, p.Pro246_Pro247delinsCysValTer (NM_001322006.2, NM_001322014.2); c.418_423delinsTGTGTGTGAAG, p.Pro140_Pro141delinsCysValTer (NM_001322007.2, NM_001322008.2); c.-198_-193delinsTGTGTGTGAAG (NM_001322011.2, NM_001322012.2); c.163_168delinsTGTGTGTGAAG, p.Pro55_Pro56delinsCysValTer (NM_001322013.2); c.427_432delinsTGTGTGTGAAG, p.Pro143_Pro144delinsCysValTer (NM_001322015.2).
Identifiers: ClinVar variation 91366 (VCV000091366.75), dbSNP rs267608150, ClinGen allele CA012703.